The following is an entry in ClinVar:

NM_001370259.2(MEN1):c.432del (p.Phe144fs)

Gene: MEN1 (menin 1; minus strand). Cytogenetic location: 11q13.1.
Variant type: Deletion.
Coding change: c.432del on transcript NM_001370259.2 (MANE Select); coding-DNA position 432, one base deleted (C; older notation c.432delC).
Protein change: p.Phe144fs; shifts the reading frame from phenylalanine 144.
Molecular consequence: frameshift variant.
Genome position (GRCh38, 1-based): chr11:64,809,678, G deleted on the plus strand (C on the coding strand, the reverse complement: MEN1 is on the minus strand). VCF-style (leftmost placement, unchanged base first): chr11-64809677-TG-T. GRCh37 (hg19) VCF-style: chr11-64577149-TG-T.
Other names: c.432delC (NM_130799.2); c.432del, p.Phe144fs (NM_001370260.2, NM_001370261.2, NM_001370262.2 and 9 more transcripts); short protein forms F144fs.
Identifiers: ClinVar variation 419057 (VCV000419057.6), dbSNP rs1064793613, ClinGen allele CA16619367.
Genomic context (GRCh38, chr11:64,809,677, plus strand): 5'-TTTGAAGAAGTGGGTCATGGATAAGATTCCCACCTACTGGGCTCCAACCTGTGATGAAGC[TG>T]AAGAGGGACTGGATGTGGGCCCGATCCTTGAAGTAGGAGCGGCTGAGGCTGTTCCATATG-3'

ClinVar aggregate classification (germline): Pathogenic. Review status: criteria provided, multiple submitters, no conflicts (2 of 4 stars). 2 submissions from 2 submitters: Pathogenic (2). Last evaluated 2023-11-27.

Conditions:
Multiple endocrine neoplasia, type 1 (MEN1). Also called: Endocrine adenomatosis multiple; MEN 1; MEA I; MEN I; WERMER SYNDROME. Identifiers: Orphanet 652, MedGen C0025267, MeSH D018761, MONDO:0007540, OMIM 131100.

Submissions (2):

Labcorp Genetics (formerly Invitae), Labcorp
Classification: Pathogenic for Multiple endocrine neoplasia, type 1. Last evaluated: 2023-11-27. Review status: criteria provided, single submitter. Criteria: Invitae Variant Classification Sherloc (09022015). Collection method: clinical testing. Allele origin: germline.
Comment: This sequence change creates a premature translational stop signal (p.Phe144Leufs*41) in the MEN1 gene. It is expected to result in an absent or disrupted protein product. Loss-of-function variants in MEN1 are known to be pathogenic (PMID: 12112656, 17853334). This variant is not present in population databases (gnomAD no frequency). This variant has not been reported in the literature in individuals affected with MEN1-related conditions. ClinVar contains an entry for this variant (Variation ID: 419057). For these reasons, this variant has been classified as Pathogenic.

GeneDx
Classification: Pathogenic. Last evaluated: 2015-05-19. Review status: criteria provided, single submitter. Criteria: GeneDx Variant Classification (06012015). Collection method: clinical testing. Allele origin: germline. Affected: yes.
Comment: The c.432delC deletion is predicted to cause loss of normal protein function either through protein truncation ornonsense-mediated mRNA decay. Although this variant has not been previously reportedto our knowledge, we consider it to be pathogenic.

Literature cited by the submitters: PubMed 12112656 (cited by Labcorp Genetics (formerly Invitae), Labcorp); PubMed 17853334 (cited by Labcorp Genetics (formerly Invitae), Labcorp).